The following is an entry in ClinVar:

ClinVar aggregate classification (germline): Uncertain significance. Review status: criteria provided, multiple submitters, no conflicts (2 of 4 stars). 2 submissions from 2 submitters: Uncertain significance (2). Last evaluated 2025-07-07.

Conditions:
Joubert syndrome. Also called: CEREBELLOPARENCHYMAL DISORDER IV; JOUBERT-BOLTSHAUSER SYNDROME; Familial aplasia of the vermis. Identifiers: Orphanet 475, MedGen C5979921, MONDO:0018772.
Meckel-Gruber syndrome. Also called: DYSENCEPHALIA SPLANCHNOCYSTICA; GRUBER SYNDROME; Dysencephalia splachnocystica. Identifiers: Orphanet 564, MedGen C0265215, MONDO:0018921.
Inborn genetic diseases. Identifiers: MedGen C0950123, MeSH D030342.

Allele frequency attached by ClinVar (database versions not stated): ExAC 0.00002; gnomAD 0.00002; ESP Exome Variant Server 0.00008.
gnomAD v4.1: 17 of 1,612,304 alleles (0.0011%); highest among the groups gnomAD compares: Non-Finnish European, 0.0014%; no homozygotes.

Submissions (2):

Ambry Genetics
Classification: Uncertain significance for Inborn genetic diseases. Last evaluated: 2025-07-07. Review status: criteria provided, single submitter. Criteria: Ambry Variant Classification Scheme 2023. Collection method: clinical testing. Allele origin: germline.

Labcorp Genetics (formerly Invitae), Labcorp
Classification: Uncertain significance for Joubert syndrome; Meckel-Gruber syndrome. Last evaluated: 2022-06-28. Review status: criteria provided, single submitter. Criteria: Invitae Variant Classification Sherloc (09022015). Collection method: clinical testing. Allele origin: germline.
Comment: This sequence change replaces glutamic acid, which is acidic and polar, with aspartic acid, which is acidic and polar, at codon 503 of the TCTN2 protein (p.Glu503Asp). This variant is present in population databases (rs143000636, gnomAD 0.004%). This variant has not been reported in the literature in individuals affected with TCTN2-related conditions. Algorithms developed to predict the effect of missense changes on protein structure and function output the following: SIFT: "Tolerated"; PolyPhen-2: "Benign"; Align-GVGD: "Class C0". The aspartic acid amino acid residue is found in multiple mammalian species, which suggests that this missense change does not adversely affect protein function. In summary, the available evidence is currently insufficient to determine the role of this variant in disease. Therefore, it has been classified as a Variant of Uncertain Significance.

NM_024809.5(TCTN2):c.1509G>T (p.Glu503Asp)

Gene: TCTN2 (tectonic family member 2; plus strand). Cytogenetic location: 12q24.31.
Variant type: single nucleotide variant.
Coding change: c.1509G>T on transcript NM_024809.5 (MANE Select); coding-DNA position 1509, G replaced by T.
Protein change: p.Glu503Asp; replaces glutamic acid 503 with aspartic acid.
Molecular consequence: missense variant.
Genome position (GRCh38, 1-based): chr12:123,699,707, G>T. VCF-style: chr12-123699707-G-T. GRCh37 (hg19) VCF-style: chr12-124184254-G-T.
Other names: c.1506G>T, p.Glu502Asp (NM_001143850.3); c.1374G>T, p.Glu458Asp (NM_001410989.1); c.1509G>T (NM_024809.3); short protein forms E503D, E458D, E502D.
Identifiers: ClinVar variation 2184553 (VCV002184553.2), dbSNP rs143000636, ClinGen allele CA6861247.